The following is an entry in ClinVar:

ClinVar aggregate classification (germline): Pathogenic (1 of 4 stars; one submission).

Conditions:
Hereditary spastic paraplegia 11. Also called: SPASTIC PARAPLEGIA, AUTOSOMAL RECESSIVE, COMPLICATED, WITH THIN CORPUS CALLOSUM; SPASTIC PARAPLEGIA, AUTOSOMAL RECESSIVE, WITH MENTAL IMPAIRMENT AND THIN CORPUS CALLOSUM; Spastic paraplegia, mental retardation and thin corpus callosum; Nakamura Osame syndrome; Autosomal recessive hereditary spastic paraplegia, mental impairment, and thin corpus callosum; Spastic Paraplegia 11. Identifiers: Orphanet 2822, MedGen C1858479, MONDO:0011445, OMIM 604360.

Allele frequency attached by ClinVar (database versions not stated): gnomAD exomes below 0.00001.
gnomAD v4.1: 2 of 1,613,886 alleles (0.00012%); highest among the groups gnomAD compares: Non-Finnish European, 0.00017%; no homozygotes.

Submission:

Labcorp Genetics (formerly Invitae), Labcorp
Classification: Pathogenic for Hereditary spastic paraplegia 11. Last evaluated: 2023-12-12. Review status: criteria provided, single submitter. Criteria: Invitae Variant Classification Sherloc (09022015). Collection method: clinical testing. Allele origin: germline.
Comment: This sequence change creates a premature translational stop signal (p.Trp2251*) in the SPG11 gene. It is expected to result in an absent or disrupted protein product. Loss-of-function variants in SPG11 are known to be pathogenic (PMID: 19105190, 20110243, 22154821, 26556829). This variant is not present in population databases (gnomAD no frequency). This premature translational stop signal has been observed in individual(s) with hereditary spastic paraplegia (Invitae). It has also been observed to segregate with disease in related individuals. ClinVar contains an entry for this variant (Variation ID: 939231). For these reasons, this variant has been classified as Pathogenic.

Literature cited by the submitters: PubMed 19105190; PubMed 20110243; PubMed 22154821; PubMed 26556829.

NM_025137.4(SPG11):c.6753G>A (p.Trp2251Ter)

Gene: SPG11 (SPG11 vesicle trafficking associated, spatacsin; minus strand). Cytogenetic location: 15q21.1.
Variant type: single nucleotide variant.
Coding change: c.6753G>A on transcript NM_025137.4 (MANE Select); coding-DNA position 6753, G replaced by A.
Protein change: p.Trp2251Ter; replaces tryptophan 2251 with a stop codon.
Molecular consequence: nonsense.
Genome position (GRCh38, 1-based): chr15:44,567,425, C>T on the plus strand (G>A on the coding strand, the complement: SPG11 is on the minus strand). VCF-style: chr15-44567425-C-T. GRCh37 (hg19) VCF-style: chr15-44859623-C-T.
Other names: c.6414G>A, p.Trp2138Ter (NM_001160227.2); short protein forms W2138*, W2251*.
Identifiers: ClinVar variation 939231 (VCV000939231.9), dbSNP rs2082333064, ClinGen allele CA392214526.